The following is an entry in ClinVar:

ClinVar aggregate classification (germline): Uncertain significance. Review status: criteria provided, multiple submitters, no conflicts (2 of 4 stars). 2 submissions from 2 submitters: Uncertain significance (2). Last evaluated 2025-06-03.

Conditions:
Inborn genetic diseases. Identifiers: MedGen C0950123, MeSH D030342.

Allele frequency attached by ClinVar (database versions not stated): TOPMed below 0.00001; gnomAD exomes 0.00001; ExAC 0.00002; gnomAD 0.00002; 1000 Genomes Project 30x 0.00016; 1000 Genomes Project 0.00020.
gnomAD v4.1: 19 of 1,614,228 alleles (0.0012%); highest among the groups gnomAD compares: South Asian, 0.011%; no homozygotes.

Submissions (2):

Ambry Genetics
Classification: Uncertain significance for Inborn genetic diseases. Last evaluated: 2025-06-03. Review status: criteria provided, single submitter. Criteria: Ambry Variant Classification Scheme 2023. Collection method: clinical testing. Allele origin: germline.

GeneDx
Classification: Uncertain significance. Last evaluated: 2022-08-23. Review status: criteria provided, single submitter. Criteria: GeneDx Variant Classification Process June 2021. Collection method: clinical testing. Allele origin: germline. Affected: yes.
Comment: In silico analysis supports that this missense variant has a deleterious effect on protein structure/function; Has not been previously published as pathogenic or benign to our knowledge

NM_017534.6(MYH2):c.4033G>A (p.Asp1345Asn)

Genes: MYH2 (myosin heavy chain 2; minus strand), MYHAS (myosin heavy chain gene cluster antisense RNA; plus strand). Cytogenetic location: 17p13.1.
Variant type: single nucleotide variant.
Coding change: c.4033G>A on transcript NM_017534.6 (MANE Select); coding-DNA position 4033, G replaced by A.
Protein change: p.Asp1345Asn; replaces aspartic acid 1345 with asparagine.
Molecular consequence: missense variant.
Genome position (GRCh38, 1-based): chr17:10,526,753, C>T on the plus strand (G>A on the coding strand, the complement: MYH2 is on the minus strand). VCF-style: chr17-10526753-C-T. GRCh37 (hg19) VCF-style: chr17-10430070-C-T.
Other names: c.4033G>A, p.Asp1345Asn (NM_001100112.2); short protein forms D1345N.
Identifiers: ClinVar variation 2430660 (VCV002430660.2), dbSNP rs531291725, ClinGen allele CA8390739.